The following is an entry in ClinVar:

NM_000489.6(ATRX):c.847G>A (p.Val283Ile)

Gene: ATRX (ATRX chromatin remodeler; minus strand). Cytogenetic location: Xq21.1.
Variant type: single nucleotide variant.
Coding change: c.847G>A on transcript NM_000489.6 (MANE Select); coding-DNA position 847, G replaced by A.
Protein change: p.Val283Ile; replaces valine 283 with isoleucine.
Molecular consequence: missense variant.
Genome position (GRCh38, 1-based): chrX:77,684,409, C>T on the plus strand (G>A on the coding strand, the complement: ATRX is on the minus strand). VCF-style: chrX-77684409-C-T. GRCh37 (hg19) VCF-style: chrX-76939901-C-T.
Other names: c.733G>A, p.Val245Ile (NM_138270.5); short protein forms V283I, V245I.
Identifiers: ClinVar variation 386701 (VCV000386701.6), dbSNP rs1057522580, ClinGen allele CA16608945.

ClinVar aggregate classification (germline): Conflicting classifications of pathogenicity. Review status: criteria provided, conflicting classifications (1 of 4 stars). 3 submissions from 3 submitters: Uncertain significance (1); Likely benign (1). 1 of the submissions does not count toward it. Last evaluated 2023-05-22.

Conditions:
Alpha thalassemia-X-linked intellectual disability syndrome (ATRX). Also called: ALPHA-THALASSEMIA/MENTAL RETARDATION SYNDROME, X-LINKED; X-linked alpha-thalassemia-mental retardation syndrome; ATR-X syndrome; Alpha thalassemia mental retardation syndrome, nondeletion type, X-linked; XLMR hypotonic face syndrome; ATR, NONDELETION TYPE. Identifiers: Orphanet 847, MedGen C1845055, MONDO:0010519, OMIM 301040.

Allele frequency attached by ClinVar (database versions not stated): gnomAD exomes 0.00001.
gnomAD v4.1: 7 of 1,211,206 alleles (0.00058%); highest among the groups gnomAD compares: East Asian, 0.003%; no homozygotes.

Submissions (3):

Labcorp Genetics (formerly Invitae), Labcorp
Classification: Likely benign for Alpha thalassemia-X-linked intellectual disability syndrome. Last evaluated: 2023-05-22. Review status: criteria provided, single submitter. Criteria: Invitae Variant Classification Sherloc (09022015). Collection method: clinical testing. Allele origin: germline.

GeneDx
Classification: Uncertain significance. Last evaluated: 2016-05-31. Review status: criteria provided, single submitter. Criteria: GeneDx Variant Classification (06012015). Collection method: clinical testing. Allele origin: germline. Affected: yes.
Comment: The V283I variant in the ATRX gene has not been reported previously as a pathogenic variant, nor as a benign variant, to our knowledge. This variant was not observed in approximately 6500 individuals of European and African American ancestry in the NHLBI Exome Sequencing Project, indicating it is not a common benign variant in these populations. The V283I variant is a conservative amino acid substitution, which is not likely to impact secondary protein structure as these residues share similar properties. This substitution occurs at a position where amino acids with similar properties to Valine are tolerated across species. In silico analysis is inconsistent in its predictions as to whether or not the variant is damaging to the protein structure/function. We interpret V283I as a variant of uncertain significance.

Natera, Inc.
Classification: Uncertain significance for X-linked alpha-thalassemia-mental retardation syndrome. Last evaluated: 2019-10-28. Review status: no assertion criteria provided. Collection method: clinical testing. Allele origin: germline. Not counted in ClinVar's aggregate classification.